The following is an entry in ClinVar:

ClinVar aggregate classification (germline): Uncertain significance (1 of 4 stars; one submission).

Conditions:
Bethlem myopathy 1A. Also called: Bethlem myopathy 1; Bethlem Muscular Dystrophy; MYOPATHY, BENIGN CONGENITAL, WITH CONTRACTURES. Identifiers: Orphanet 610, MedGen CN029274, MONDO:0024530, OMIM 158810.

gnomAD v4.1: 4 of 1,587,120 alleles (0.00025%); highest among the groups gnomAD compares: Non-Finnish European, 0.00034%; no homozygotes.

Submission:

Labcorp Genetics (formerly Invitae), Labcorp
Classification: Uncertain significance for Bethlem myopathy 1A. Last evaluated: 2025-12-08. Review status: criteria provided, single submitter. Criteria: Invitae Variant Classification Sherloc (09022015). Collection method: clinical testing. Allele origin: germline.
Comment: This sequence change replaces alanine, which is neutral and non-polar, with valine, which is neutral and non-polar, at codon 3 of the COL6A1 protein (p.Ala3Val). This variant is not present in population databases (gnomAD no frequency). This variant has not been reported in the literature in individuals affected with COL6A1-related conditions. Invitae Evidence Modeling of protein sequence and biophysical properties (such as structural, functional, and spatial information, amino acid conservation, physicochemical variation, residue mobility, and thermodynamic stability) indicates that this missense variant is not expected to disrupt COL6A1 protein function with a negative predictive value of 95%. In summary, the available evidence is currently insufficient to determine the role of this variant in disease. Therefore, it has been classified as a Variant of Uncertain Significance.

NM_001848.3(COL6A1):c.8C>T (p.Ala3Val)

Gene: COL6A1 (collagen type VI alpha 1 chain; plus strand). Cytogenetic location: 21q22.3.
Variant type: single nucleotide variant.
Coding change: c.8C>T on transcript NM_001848.3 (MANE Select); coding-DNA position 8, C replaced by T.
Protein change: p.Ala3Val; replaces alanine 3 with valine.
Molecular consequence: missense variant.
Genome position (GRCh38, 1-based): chr21:45,981,858, C>T. VCF-style: chr21-45981858-C-T. GRCh37 (hg19) VCF-style: chr21-47401772-C-T.
Other names: short protein forms A3V.
Identifiers: ClinVar variation 4764203 (VCV004764203.1).
Genomic context (GRCh38, chr21:45,981,858, plus strand): 5'-GCGGCGGCCCACTCTGCCCTGGCCGCGCTGTGTGGTGACCGCAGGCCCCAGACATGAGGG[C>T]GGCCCGTGCTCTGCTGCCCCTGCTGCTGCAGGCCTGCTGGACAGCCGCGCAGGATGAGCC-3'
Protein context (NP_001839.2, residues 1-13): MR[Ala3Val]ARALLPLLLQ